The following is an entry in ClinVar:

NM_001009944.3(PKD1):c.9107C>A (p.Thr3036Asn)

Gene: PKD1 (polycystin 1, transient receptor potential channel interacting; minus strand). Cytogenetic location: 16p13.3.
Variant type: single nucleotide variant.
Coding change: c.9107C>A on transcript NM_001009944.3 (MANE Select); coding-DNA position 9107, C replaced by A.
Protein change: p.Thr3036Asn; replaces threonine 3036 with asparagine.
Molecular consequence: missense variant.
Genome position (GRCh38, 1-based): chr16:2,102,475, G>T on the plus strand (C>A on the coding strand, the complement: PKD1 is on the minus strand). VCF-style: chr16-2102475-G-T. GRCh37 (hg19) VCF-style: chr16-2152476-G-T.
Other names: c.9107C>A, p.Thr3036Asn (NM_000296.4); short protein forms T3036N.
Identifiers: ClinVar variation 4854752 (VCV004854752.1).

ClinVar aggregate classification (germline): Uncertain significance (1 of 4 stars; one submission).

Conditions:
Polycystic kidney disease, adult type (PKD1). Also called: Polycystic Kidney, Autosomal Dominant; POLYCYSTIC KIDNEY DISEASE, ADULT, TYPE I; Polycystic Kidney Disease 1, Autosomal Dominant; Polycystic kidney disease 1; Polycystic kidney disease 1, severe; POLYCYSTIC KIDNEY DISEASE 1 WITH OR WITHOUT POLYCYSTIC LIVER DISEASE. Identifiers: MedGen C3149841, MONDO:0008263, OMIM 173900.

Submission:

3billion
Classification: Uncertain significance for Polycystic kidney disease, adult type. Last evaluated: 2026-01-14. Review status: criteria provided, single submitter. Criteria: ACMG Guidelines, 2015. Collection method: clinical testing. Allele origin: germline. Affected: yes.
Comment: The variant is not observed in the gnomAD v4.1.0 dataset. Predicted Consequence/Location: Missense variant Damaging effect on gene or gene product predicted by in silico programs is uncertain [REVEL: 0.51 (damaging >=0.6, benign <0.4), 3Cnet: 0.63 (damaging >0.75, benign <0.1)]. Therefore, this variant is classified as VUS according to the recommendation of ACMG/AMP guideline.